The following is an entry in ClinVar:

ClinVar aggregate classification (germline): Likely pathogenic (1 of 4 stars; one submission).

Conditions:
Pheochromocytoma/paraganglioma syndrome 4. Also called: CAROTID BODY TUMORS AND MULTIPLE EXTRAADRENAL PHEOCHROMOCYTOMAS; PARAGANGLIOMA, FAMILIAL MALIGNANT; PARAGANGLIOMAS, HEREDITARY EXTRAADRENAL; PHEOCHROMOCYTOMA, FAMILIAL EXTRAADRENAL; Paragangliomas 4; SDHB-Related Hereditary Paraganglioma-Pheochromocytoma Syndrome (Paragangliomas 4). Identifiers: Orphanet 29072, MedGen C1861848, MONDO:0007273, OMIM 115310.

Submission:

Myriad Genetics, Inc.
Classification: Likely pathogenic for Pheochromocytoma/paraganglioma syndrome 4. Last evaluated: 2023-09-27. Review status: criteria provided, single submitter. Criteria: Myriad Autosomal Dominant, Autosomal Recessive and X-Linked Classification Criteria (2023). Collection method: clinical testing. Allele origin: unknown.
Comment: This variant is considered likely pathogenic. This variant creates a frameshift predicted to result in premature protein truncation.

NM_003000.3(SDHB):c.774_778del (p.Asn258fs)

Gene: SDHB (succinate dehydrogenase complex iron sulfur subunit B; minus strand). Cytogenetic location: 1p36.13.
Variant type: Deletion.
Coding change: c.774_778del on transcript NM_003000.3 (MANE Select); coding-DNA positions 774 to 778, 5 bases deleted (TCCAG; older notation c.774_778delTCCAG).
Protein change: p.Asn258fs; shifts the reading frame from asparagine 258.
Molecular consequence: frameshift variant.
Genome position (GRCh38, 1-based): chr1:17,018,946-17,018,950, CTGGA deleted on the plus strand (TCCAG on the coding strand, the reverse complement: SDHB is on the minus strand). VCF-style (leftmost placement, unchanged base first): chr1-17018945-CCTGGA-C. GRCh37 (hg19) VCF-style: chr1-17345440-CCTGGA-C.
Other names: c.720_724del, p.Asn240fs (NM_001407361.1); short protein forms N240fs, N258fs.
Identifiers: ClinVar variation 2674423 (VCV002674423.1), dbSNP rs2524995128, ClinGen allele CA2695197976.